The following is an entry in ClinVar:

ClinVar aggregate classification (germline): Uncertain significance (1 of 4 stars; one submission).

Allele frequency attached by ClinVar (database versions not stated): gnomAD exomes below 0.00001; ExAC 0.00001.
gnomAD v4.1: 1 of 1,614,182 alleles (0.000062%); highest among the groups gnomAD compares: Admixed American, 0.0017%; no homozygotes.

Submission:

Labcorp Genetics (formerly Invitae), Labcorp
Classification: Uncertain significance. Last evaluated: 2023-01-31. Review status: criteria provided, single submitter. Criteria: Invitae Variant Classification Sherloc (09022015). Collection method: clinical testing. Allele origin: germline.
Comment: Algorithms developed to predict the effect of sequence changes on RNA splicing suggest that this variant may create or strengthen a splice site. In summary, the available evidence is currently insufficient to determine the role of this variant in disease. Therefore, it has been classified as a Variant of Uncertain Significance. Algorithms developed to predict the effect of missense changes on protein structure and function (SIFT, PolyPhen-2, Align-GVGD) all suggest that this variant is likely to be tolerated. This sequence change replaces valine, which is neutral and non-polar, with leucine, which is neutral and non-polar, at codon 653 of the SLCO5A1 protein (p.Val653Leu). This variant is present in population databases (rs755513035, gnomAD 0.003%). This variant has not been reported in the literature in individuals affected with SLCO5A1-related conditions.

NM_030958.3(SLCO5A1):c.1957G>C (p.Val653Leu)

Gene: SLCO5A1 (solute carrier organic anion transporter family member 5A1; minus strand). Cytogenetic location: 8q13.3.
Variant type: single nucleotide variant.
Coding change: c.1957G>C on transcript NM_030958.3 (MANE Select); coding-DNA position 1957, G replaced by C.
Protein change: p.Val653Leu; replaces valine 653 with leucine.
Molecular consequence: missense variant.
Genome position (GRCh38, 1-based): chr8:69,679,445, C>G on the plus strand (G>C on the coding strand, the complement: SLCO5A1 is on the minus strand). VCF-style: chr8-69679445-C-G. GRCh37 (hg19) VCF-style: chr8-70591680-C-G.
Other names: c.1957G>C, p.Val653Leu (NM_001146008.2); c.1792G>C, p.Val598Leu (NM_001146009.1); short protein forms V598L, V653L.
Identifiers: ClinVar variation 2890898 (VCV002890898.3), dbSNP rs755513035, ClinGen allele CA4776460.